The following is an entry in ClinVar:

ClinVar aggregate classification (germline): Conflicting classifications of pathogenicity. Review status: criteria provided, conflicting classifications (1 of 4 stars). 2 submissions from 2 submitters: Pathogenic (1); Uncertain significance (1). Last evaluated 2024-09-18.

Conditions:
Lissencephaly type 1 due to doublecortin gene mutation. Also called: LISSENCEPHALY, X-LINKED, 1; LISSENCEPHALY AND AGENESIS OF CORPUS CALLOSUM. Identifiers: Orphanet 2148, MedGen C4551968, MONDO:0010239, OMIM 300067.

Submissions (2):

Labcorp Genetics (formerly Invitae), Labcorp
Classification: Pathogenic. Last evaluated: 2024-09-18. Review status: criteria provided, single submitter. Criteria: Invitae Variant Classification Sherloc (09022015). Collection method: clinical testing. Allele origin: germline.
Comment: This sequence change results in a frameshift in the DCX gene (p.Leu350Trpfs*55). While this is not anticipated to result in nonsense mediated decay, it is expected to disrupt the last 11 amino acid(s) of the DCX protein and extend the protein by 43 additional amino acid residues. This variant is not present in population databases (gnomAD no frequency). This frameshift has been observed in individual(s) with clinical features of DCX-related conditions and/or global developmental delay (PMID: 36801247; internal data). In at least one individual the variant was observed to be de novo. ClinVar contains an entry for this variant (Variation ID: 1878655). Experimental studies and prediction algorithms are not available or were not evaluated, and the functional significance of this variant is currently unknown. For these reasons, this variant has been classified as Pathogenic.

Neuberg Centre For Genomic Medicine, NCGM
Classification: Uncertain significance for Lissencephaly type 1 due to doublecortin gene mutation. Review status: criteria provided, single submitter. Criteria: ACMG Guidelines, 2015. Collection method: clinical testing. Allele origin: germline. Affected: yes.
Comment: The frameshift deletion p.L350Wfs in DCX (NM_178151.3) has not been reported previously as a pathogenic variant nor as a benign variant, to our knowledge. The p.L350Wfs variant is novel (not in any individuals) in gnomAD Exomes and is novel (not in any individuals) in 1000 Genomes. This variant is present in the last exon and hence functional studies will be required to prove pathogenicity. For these reasons, this variant has been classified as Uncertain Significance.

Literature cited by the submitters: PubMed 36801247 (cited by Labcorp Genetics (formerly Invitae), Labcorp).

NM_001195553.2(DCX):c.1065del (p.Leu356fs)

Gene: DCX (doublecortin; minus strand). Cytogenetic location: Xq23.
Variant type: Deletion.
Coding change: c.1065del on transcript NM_001195553.2 (MANE Select); coding-DNA position 1065, one base deleted (C; older notation c.1065delC).
Protein change: p.Leu356fs; shifts the reading frame from leucine 356.
Molecular consequence: frameshift variant.
Genome position (GRCh38, 1-based): chrX:111,301,723, G deleted on the plus strand (C on the coding strand, the reverse complement: DCX is on the minus strand); the first of 2 consecutive G bases (chrX:111,301,723-111,301,724); deleting either gives the same sequence. VCF-style (leftmost placement, unchanged base first): chrX-111301722-AG-A. GRCh37 (hg19) VCF-style: chrX-110544950-AG-A.
Other names: c.1290del, p.Leu431fs (NM_000555.3); c.1065del, p.Leu356fs (NM_001369370.1); c.1062del, p.Leu355fs (NM_001369371.1, NM_178152.3); c.1050del, p.Leu351fs (NM_001369372.1); c.952del, p.Gly319fs (NM_001369373.1, NM_001369374.1); c.966delC, p.Gly324Aspfs (NM_001410715.1); c.1047del, p.Leu350fs (NM_178151.3, NM_178153.3); short protein forms G319fs, L350fs, L351fs, L355fs, L356fs, L431fs.
Identifiers: ClinVar variation 1878655 (VCV001878655.4), dbSNP rs2524627990, ClinGen allele CA2580100202.